The following is an entry in ClinVar:

ClinVar aggregate classification (germline): Benign/Likely benign. Review status: criteria provided, multiple submitters, no conflicts (2 of 4 stars). 5 submissions from 5 submitters: Benign (1); Likely benign (4). Last evaluated 2026-01-04.

Conditions:
Hereditary cancer-predisposing syndrome. Also called: Neoplastic Syndromes, Hereditary; Tumor predisposition; Hereditary neoplastic syndrome; Hereditary Cancer Syndrome. Identifiers: Orphanet 140162, MedGen C0027672, MeSH D009386, MONDO:0015356.
Tuberous sclerosis 2 (TSC2). Identifiers: Orphanet 805, MedGen C1860707, MONDO:0013199, OMIM 613254.

Allele frequency attached by ClinVar (database versions not stated): gnomAD exomes below 0.00001; ExAC 0.00001.
gnomAD v4.1: 1 of 1,614,176 alleles (0.000062%); highest among the groups gnomAD compares: Non-Finnish European, 0.000085%; no homozygotes.

Submissions (5):

Labcorp Genetics (formerly Invitae), Labcorp
Classification: Likely benign for Tuberous sclerosis 2. Last evaluated: 2026-01-04. Review status: criteria provided, single submitter. Criteria: Invitae Variant Classification Sherloc (09022015). Collection method: clinical testing. Allele origin: germline.

Myriad Genetics, Inc.
Classification: Benign for Tuberous sclerosis 2. Last evaluated: 2025-05-13. Review status: criteria provided, single submitter. Criteria: Myriad Autosomal Dominant, Autosomal Recessive and X-Linked Classification Criteria (2023). Collection method: clinical testing. Allele origin: unknown.
Comment: This variant is considered benign. This variant is a silent/synonymous amino acid change and it is not expected to impact splicing.

CeGaT Center for Human Genetics Tuebingen
Classification: Likely benign. Last evaluated: 2024-09-01. Review status: criteria provided, single submitter. Criteria: CeGaT Center For Human Genetics Tuebingen Variant Classification Criteria Version 2. Collection method: clinical testing. Allele origin: germline. Affected: yes. Observed: 1 variant allele.
Comment: TSC2: BP4, BP7

Ambry Genetics
Classification: Likely benign for Hereditary cancer-predisposing syndrome. Last evaluated: 2021-01-12. Review status: criteria provided, single submitter. Criteria: Ambry Variant Classification Scheme 2023. Collection method: clinical testing. Allele origin: germline.

Breakthrough Genomics
Classification: Likely benign. Review status: criteria provided, single submitter. Criteria: ACMG Guidelines, 2015. Collection method: not provided. Allele origin: germline. Inheritance: Autosomal dominant inheritance. Affected: yes.

NM_000548.5(TSC2):c.1149C>T (p.Ile383=)

Gene: TSC2 (TSC complex subunit 2; plus strand). Cytogenetic location: 16p13.3.
Variant type: single nucleotide variant.
Coding change: c.1149C>T on transcript NM_000548.5 (MANE Select); coding-DNA position 1149, C replaced by T.
Protein change: p.Ile383=; no amino-acid change (isoleucine 383 retained).
Molecular consequence: synonymous variant.
Genome position (GRCh38, 1-based): chr16:2,061,900, C>T. VCF-style: chr16-2061900-C-T. GRCh37 (hg19) VCF-style: chr16-2111901-C-T.
Other names: c.1149C>T, p.Ile383= (NM_001077183.3, NM_001114382.3, NM_001363528.2 and 3 more transcripts); c.1038C>T, p.Ile346= (NM_001318827.2); c.1002C>T, p.Ile334= (NM_001318829.2); c.549C>T, p.Ile183= (NM_001318831.2); c.1182C>T, p.Ile394= (NM_001318832.2).
Identifiers: ClinVar variation 1080835 (VCV001080835.26), dbSNP rs764246333, ClinGen allele CA028626.